The following is an entry in ClinVar:

NM_000458.4(HNF1B):c.*924C>G

Gene: HNF1B (HNF1 homeobox B; minus strand). Cytogenetic location: 17q12.
Variant type: single nucleotide variant.
Coding change: c.*924C>G on transcript NM_000458.4 (MANE Select); 924 bases downstream of the stop codon, C replaced by G.
Molecular consequence: 3 prime UTR variant.
Genome position (GRCh38, 1-based): chr17:37,686,448, G>C on the plus strand (C>G on the coding strand, the complement: HNF1B is on the minus strand). VCF-style: chr17-37686448-G-C. GRCh37 (hg19) VCF-style: chr17-36046451-G-C.
Other names: c.*924C>G (NM_001165923.4); c.*832C>G (NM_001304286.2).
Identifiers: ClinVar variation 322927 (VCV000322927.6), dbSNP rs10962, ClinGen allele CA10639517.
Genomic context (GRCh38, chr17:37,686,448, plus strand): 5'-CATGGCAGGGAAAGTATCAGAGACAGAAATATGAGACTCTGGGTAGTGATAAAATAAATT[G>C]TTTTAATGGAAGGCTTTCTGAGACTGCAACTTTTTCTTCTGCTATCAAACAGCCAGTTTC-3'

ClinVar aggregate classification (germline): Benign. Review status: criteria provided, multiple submitters, no conflicts (2 of 4 stars). 2 submissions from 2 submitters: Benign (2). Last evaluated 2018-01-13.

Conditions:
Renal cysts and diabetes syndrome (RCAD). Also called: MATURITY-ONSET DIABETES OF THE YOUNG, TYPE 5; Familial hypoplastic, glomerulocystic kidney. Identifiers: Orphanet 93111, MedGen C0431693, MONDO:0007669, OMIM 137920.

Allele frequency attached by ClinVar (database versions not stated): gnomAD 0.22156 and 0.22313; gnomAD exomes 0.22727; TOPMed 0.22843; 1000 Genomes Project 30x 0.24250; 1000 Genomes Project 0.24481.
gnomAD v4.1: 33,824 of 151,952 alleles (22%); highest among the groups gnomAD compares: Admixed American, 33%; 3,992 homozygotes.

Submissions (2):

Illumina Laboratory Services, Illumina
Classification: Benign for Renal cysts and diabetes syndrome. Last evaluated: 2018-01-13. Review status: criteria provided, single submitter. Criteria: ICSL Variant Classification Criteria 13 December 2019. Collection method: clinical testing. Allele origin: germline.
Comment: This variant was observed in the ICSL laboratory as part of a predisposition screen in an ostensibly healthy population. It had not been previously curated by ICSL or reported in the Human Gene Mutation Database (HGMD: prior to June 1st, 2018), and was therefore a candidate for classification through an automated scoring system. Utilizing variant allele frequency, disease prevalence and penetrance estimates, and inheritance mode, an automated score was calculated to assess if this variant is too frequent to cause the disease. Based on the score and internal cut-off values, a variant classified as benign is not then subjected to further curation. The score for this variant resulted in a classification of benign for this disease.

Breakthrough Genomics
Classification: Benign. Review status: criteria provided, single submitter. Criteria: ACMG Guidelines, 2015. Collection method: not provided. Allele origin: germline. Inheritance: Autosomal dominant inheritance. Affected: yes.